The following is an entry in ClinVar:

NM_000342.4(SLC4A1):c.421T>C (p.Phe141Leu)

Gene: SLC4A1 (solute carrier family 4 member 1 (Diego blood group); minus strand). Cytogenetic location: 17q21.31.
Variant type: single nucleotide variant.
Coding change: c.421T>C on transcript NM_000342.4 (MANE Select); coding-DNA position 421, T replaced by C.
Protein change: p.Phe141Leu; replaces phenylalanine 141 with leucine.
Molecular consequence: missense variant.
Genome position (GRCh38, 1-based): chr17:44,260,468, A>G on the plus strand (T>C on the coding strand, the complement: SLC4A1 is on the minus strand). VCF-style: chr17-44260468-A-G. GRCh37 (hg19) VCF-style: chr17-42337836-A-G.
Other names: c.421T>C (NM_000342.3); short protein forms F141L.
Identifiers: ClinVar variation 2436042 (VCV002436042.8), dbSNP rs1168035577, ClinGen allele CA399794889.

ClinVar aggregate classification (germline): Uncertain significance. Review status: criteria provided, multiple submitters, no conflicts (2 of 4 stars). 4 submissions from 4 submitters: Uncertain significance (4). Last evaluated 2025-08-02.

Conditions:
Hereditary spherocytosis type 4. Also called: SLC4A1-Related Spherocytosis. Identifiers: Orphanet 822, MedGen C2675212, MONDO:0012981, OMIM 612653.
BLOOD GROUP, WALDNER (WD). Also called: WALDNER BLOOD GROUP ANTIGEN. Identifiers: MedGen C1862191, OMIM 112010.
Autosomal dominant distal renal tubular acidosis (DRTA1). Also called: RTA, CLASSIC TYPE; RTA, DISTAL TYPE, AUTOSOMAL DOMINANT; RTA, GRADIENT TYPE; Renal Tubular Acidosis, Type I; RENAL TUBULAR ACIDOSIS, DISTAL, 1. Identifiers: Orphanet 93608, MedGen CN280572, MONDO:0008368, OMIM 179800.
Southeast Asian ovalocytosis. Also called: Stomatocytic elliptocytosis, hereditary; Ovalocytosis, Malaysian-Melanesian-Filipino type; Elliptocytosis 4; HE, STOMATOCYTIC. Identifiers: Orphanet 98868, MedGen C1862322, MONDO:0008165, OMIM 166900.
BLOOD GROUP--DIEGO SYSTEM (DI). Identifiers: MedGen C1292286, OMIM 110500.
BLOOD GROUP--WRIGHT ANTIGEN (WR). Identifiers: MedGen C1862190, OMIM 112050.
BLOOD GROUP--FROESE (FR). Also called: FROESE BLOOD GROUP ANTIGEN. Identifiers: MedGen C1832168, OMIM 601551.
BLOOD GROUP--SWANN SYSTEM (SW). Also called: SWANN BLOOD GROUP. Identifiers: MedGen C1832169, OMIM 601550.
Malaria, susceptibility to. Identifiers: Orphanet 673, MedGen C1970028, MONDO:0021024, OMIM 611162.
Cryohydrocytosis. Also called: STOMATOCYTOSIS, COLD-SENSITIVE; Hereditary cryohydrocytosis with normal stomatin; CRYOHYDROCYTOSIS DUE TO BAND 3 HEMEL; CRYOHYDROCYTOSIS DUE TO BAND 3 HURSTPIERPOINT; CRYOHYDROCYTOSIS DUE TO BAND 3 BLACKBURN. Identifiers: Orphanet 398088, MedGen C1861453, MONDO:0008494, OMIM 185020.
Renal tubular acidosis, distal, 4, with hemolytic anemia. Also called: Renal Tubular Acidosis, Distal, with Hemolytic Anemia. Identifiers: Orphanet 93610, MedGen C5436235, MONDO:0012700, OMIM 611590.
Inborn genetic diseases. Identifiers: MedGen C0950123, MeSH D030342.

Allele frequency attached by ClinVar (database versions not stated): gnomAD exomes 0.00001; gnomAD 0.00001; TOPMed 0.00002.

Submissions (4):

Ambry Genetics
Classification: Uncertain significance for Inborn genetic diseases. Last evaluated: 2025-08-02. Review status: criteria provided, single submitter. Criteria: Ambry Variant Classification Scheme 2023. Collection method: clinical testing. Allele origin: germline.

Fulgent Genetics
Classification: Uncertain significance for BLOOD GROUP--DIEGO SYSTEM; BLOOD GROUP, WALDNER; BLOOD GROUP--WRIGHT ANTIGEN; Southeast Asian ovalocytosis; Autosomal dominant distal renal tubular acidosis; Cryohydrocytosis; BLOOD GROUP--SWANN SYSTEM; BLOOD GROUP--FROESE; Malaria, susceptibility to; Renal tubular acidosis, distal, 4, with hemolytic anemia; Hereditary spherocytosis type 4. Last evaluated: 2024-04-26. Review status: criteria provided, single submitter. Criteria: ACMG Guidelines, 2015. Collection method: clinical testing. Allele origin: germline.

Revvity Omics, Revvity
Classification: Uncertain significance. Last evaluated: 2023-09-11. Review status: criteria provided, single submitter. Criteria: ACMG Guidelines, 2015. Collection method: clinical testing. Allele origin: germline.

Labcorp Genetics (formerly Invitae), Labcorp
Classification: Uncertain significance. Last evaluated: 2022-10-23. Review status: criteria provided, single submitter. Criteria: Invitae Variant Classification Sherloc (09022015). Collection method: clinical testing. Allele origin: germline.
Comment: Advanced modeling of protein sequence and biophysical properties (such as structural, functional, and spatial information, amino acid conservation, physicochemical variation, residue mobility, and thermodynamic stability) performed at Invitae indicates that this missense variant is not expected to disrupt SLC4A1 protein function. In summary, the available evidence is currently insufficient to determine the role of this variant in disease. Therefore, it has been classified as a Variant of Uncertain Significance. This variant has not been reported in the literature in individuals affected with SLC4A1-related conditions. This variant is present in population databases (no rsID available, gnomAD 0.01%). This sequence change replaces phenylalanine, which is neutral and non-polar, with leucine, which is neutral and non-polar, at codon 141 of the SLC4A1 protein (p.Phe141Leu).